The following is an entry in ClinVar:

NM_000271.5(NPC1):c.1709A>G (p.Tyr570Cys)

Gene: NPC1 (NPC intracellular cholesterol transporter 1; minus strand). Cytogenetic location: 18q11.2.
Variant type: single nucleotide variant.
Coding change: c.1709A>G on transcript NM_000271.5 (MANE Select); coding-DNA position 1709, A replaced by G.
Protein change: p.Tyr570Cys; replaces tyrosine 570 with cysteine.
Molecular consequence: missense variant.
Genome position (GRCh38, 1-based): chr18:23,548,054, T>C on the plus strand (A>G on the coding strand, the complement: NPC1 is on the minus strand). VCF-style: chr18-23548054-T-C. GRCh37 (hg19) VCF-style: chr18-21128018-T-C.
Other names: c.1709A>G (NM_000271.4); short protein forms Y570C.
Identifiers: ClinVar variation 1435135 (VCV001435135.5), dbSNP rs755718928, ClinGen allele CA8913390.

ClinVar aggregate classification (germline): Uncertain significance. Review status: criteria provided, multiple submitters, no conflicts (2 of 4 stars). 2 submissions from 2 submitters: Uncertain significance (2). Last evaluated 2024-12-02.

Conditions:
Niemann-Pick disease, type C1. Also called: NIEMANN-PICK DISEASE, VARIANT TYPE C1; NEUROVISCERAL STORAGE DISEASE WITH VERTICAL SUPRANUCLEAR OPHTHALMOPLEGIA; NIEMANN-PICK DISEASE WITH CHOLESTEROL ESTERIFICATION BLOCK; NIEMANN-PICK DISEASE WITHOUT SPHINGOMYELINASE DEFICIENCY; NIEMANN-PICK DISEASE, CHRONIC NEURONOPATHIC FORM. Identifiers: Orphanet 646, MedGen C3179455, MONDO:0009757, OMIM 257220.

Allele frequency attached by ClinVar (database versions not stated): TOPMed below 0.00001; ExAC 0.00001; gnomAD exomes 0.00001 and 0.00002.
gnomAD v4.1: 18 of 1,612,996 alleles (0.0011%); highest among the groups gnomAD compares: Non-Finnish European, 0.00017%; no homozygotes.

Submissions (2):

Labcorp Genetics (formerly Invitae), Labcorp
Classification: Uncertain significance for Niemann-Pick disease, type C1. Last evaluated: 2024-12-02. Review status: criteria provided, single submitter. Criteria: Invitae Variant Classification Sherloc (09022015). Collection method: clinical testing. Allele origin: germline.
Comment: This sequence change replaces tyrosine, which is neutral and polar, with cysteine, which is neutral and slightly polar, at codon 570 of the NPC1 protein (p.Tyr570Cys). This variant is present in population databases (rs755718928, gnomAD 0.04%). This variant has not been reported in the literature in individuals affected with NPC1-related conditions. ClinVar contains an entry for this variant (Variation ID: 1435135). Invitae Evidence Modeling of protein sequence and biophysical properties (such as structural, functional, and spatial information, amino acid conservation, physicochemical variation, residue mobility, and thermodynamic stability) has been performed for this missense variant. However, the output from this modeling did not meet the statistical confidence thresholds required to predict the impact of this variant on NPC1 protein function. In summary, the available evidence is currently insufficient to determine the role of this variant in disease. Therefore, it has been classified as a Variant of Uncertain Significance.

GeneDx
Classification: Uncertain significance. Last evaluated: 2024-08-06. Review status: criteria provided, single submitter. Criteria: GeneDx Variant Classification Process June 2021. Collection method: clinical testing. Allele origin: germline. Affected: yes.
Comment: In silico analysis supports that this missense variant has a deleterious effect on protein structure/function; Has not been previously published as pathogenic or benign to our knowledge